The following is an entry in ClinVar:

NM_006767.4(LZTR1):c.1297T>C (p.Tyr433His)

Gene: LZTR1 (leucine zipper like post translational regulator 1; plus strand). Cytogenetic location: 22q11.21.
Variant type: single nucleotide variant.
Coding change: c.1297T>C on transcript NM_006767.4 (MANE Select); coding-DNA position 1297, T replaced by C.
Protein change: p.Tyr433His; replaces tyrosine 433 with histidine.
Molecular consequence: missense variant.
Genome position (GRCh38, 1-based): chr22:20,993,698, T>C. VCF-style: chr22-20993698-T-C. GRCh37 (hg19) VCF-style: chr22-21347987-T-C.
Other names: short protein forms Y433H.
Identifiers: ClinVar variation 2496779 (VCV002496779.7), dbSNP rs1182184417, ClinGen allele CA410774448.

ClinVar aggregate classification (germline): Uncertain significance. Review status: criteria provided, multiple submitters, no conflicts (2 of 4 stars). 4 submissions from 4 submitters: Uncertain significance (4). Last evaluated 2026-01-21.

Conditions:
Hereditary cancer-predisposing syndrome. Also called: Neoplastic Syndromes, Hereditary; Hereditary neoplastic syndrome; Tumor predisposition; Hereditary Cancer Syndrome. Identifiers: Orphanet 140162, MedGen C0027672, MeSH D009386, MONDO:0015356.
Cardiovascular phenotype. Identifiers: MedGen CN230736.

Allele frequency attached by ClinVar (database versions not stated): TOPMed below 0.00001; gnomAD 0.00001.

Submissions (4):

Labcorp Genetics (formerly Invitae), Labcorp
Classification: Uncertain significance. Last evaluated: 2026-01-21. Review status: criteria provided, single submitter. Criteria: Invitae Variant Classification Sherloc (09022015). Collection method: clinical testing. Allele origin: germline.
Comment: This sequence change replaces tyrosine, which is neutral and polar, with histidine, which is basic and polar, at codon 433 of the LZTR1 protein (p.Tyr433His). This variant is present in population databases (no rsID available, gnomAD 0.007%). This variant has not been reported in the literature in individuals affected with LZTR1-related conditions. ClinVar contains an entry for this variant (Variation ID: 2496779). Invitae Evidence Modeling of protein sequence and biophysical properties (such as structural, functional, and spatial information, amino acid conservation, physicochemical variation, residue mobility, and thermodynamic stability) indicates that this missense variant is not expected to disrupt LZTR1 protein function with a negative predictive value of 80%. In summary, the available evidence is currently insufficient to determine the role of this variant in disease. Therefore, it has been classified as a Variant of Uncertain Significance.

Women's Health and Genetics/Laboratory Corporation of America, LabCorp
Classification: Uncertain significance. Last evaluated: 2024-08-12. Review status: criteria provided, single submitter. Criteria: LabCorp Variant Classification Summary - May 2015. Collection method: clinical testing. Allele origin: germline.
Comment: Variant summary: LZTR1 c.1297T>C (p.Tyr433His) results in a conservative amino acid change in the encoded protein sequence. Three of five in-silico tools predict a benign effect of the variant on protein function. The variant was absent in 249264 control chromosomes (gnomAD). The available data on variant occurrences in the general population are insufficient to allow any conclusion about variant significance. To our knowledge, no occurrence of c.1297T>C in individuals affected with Noonan Syndrome and no experimental evidence demonstrating its impact on protein function have been reported. ClinVar contains an entry for this variant (Variation ID: 2496779). Based on the evidence outlined above, the variant was classified as uncertain significance.

GeneDx
Classification: Uncertain significance. Last evaluated: 2023-07-27. Review status: criteria provided, single submitter. Criteria: GeneDx Variant Classification Process June 2021. Collection method: clinical testing. Allele origin: germline. Affected: yes.
Comment: In silico analysis supports that this missense variant has a deleterious effect on protein structure/function; Has not been previously published as pathogenic or benign to our knowledge

Ambry Genetics
Classification: Uncertain significance for Cardiovascular phenotype; Hereditary cancer-predisposing syndrome. Last evaluated: 2023-01-19. Review status: criteria provided, single submitter. Criteria: Ambry Variant Classification Scheme 2023. Collection method: clinical testing. Allele origin: germline.
Comment: The p.Y433H variant (also known as c.1297T>C), located in coding exon 12 of the LZTR1 gene, results from a T to C substitution at nucleotide position 1297. The tyrosine at codon 433 is replaced by histidine, an amino acid with similar properties. This amino acid position is conserved. In addition, the in silico prediction for this alteration is inconclusive. Since supporting evidence is limited at this time, the clinical significance of this alteration remains unclear.